The following is an entry in ClinVar:

NM_199355.4(ADAMTS18):c.2371G>A (p.Val791Ile)

Gene: ADAMTS18 (ADAM metallopeptidase with thrombospondin type 1 motif 18; minus strand). Cytogenetic location: 16q23.1.
Variant type: single nucleotide variant.
Coding change: c.2371G>A on transcript NM_199355.4 (MANE Select); coding-DNA position 2371, G replaced by A.
Protein change: p.Val791Ile; replaces valine 791 with isoleucine.
Molecular consequence: missense variant.
Genome position (GRCh38, 1-based): chr16:77,320,010, C>T on the plus strand (G>A on the coding strand, the complement: ADAMTS18 is on the minus strand). VCF-style: chr16-77320010-C-T. GRCh37 (hg19) VCF-style: chr16-77353907-C-T.
Other names: c.1855G>A, p.Val619Ile (NM_001326358.2); c.2371G>A (NM_199355.2); short protein forms V619I, V791I.
Identifiers: ClinVar variation 1486705 (VCV001486705.5), dbSNP rs964484715, ClinGen allele CA284390348.

ClinVar aggregate classification (germline): Uncertain significance. Review status: criteria provided, multiple submitters, no conflicts (2 of 4 stars). 2 submissions from 2 submitters: Uncertain significance (2). Last evaluated 2025-10-07.

Conditions:
Inborn genetic diseases. Identifiers: MedGen C0950123, MeSH D030342.

Allele frequency attached by ClinVar (database versions not stated): gnomAD 0.00002 and 0.00003; gnomAD exomes 0.00003; TOPMed 0.00002.
gnomAD v4.1: 52 of 1,614,032 alleles (0.0032%); highest among the groups gnomAD compares: Non-Finnish European, 0.0042%; no homozygotes.

Submissions (2):

Ambry Genetics
Classification: Uncertain significance for Inborn genetic diseases. Last evaluated: 2025-10-07. Review status: criteria provided, single submitter. Criteria: Ambry Variant Classification Scheme 2023. Collection method: clinical testing. Allele origin: germline.

Labcorp Genetics (formerly Invitae), Labcorp
Classification: Uncertain significance. Last evaluated: 2021-08-25. Review status: criteria provided, single submitter. Criteria: Invitae Variant Classification Sherloc (09022015). Collection method: clinical testing. Allele origin: germline.
Comment: In summary, the available evidence is currently insufficient to determine the role of this variant in disease. Therefore, it has been classified as a Variant of Uncertain Significance. Algorithms developed to predict the effect of missense changes on protein structure and function are either unavailable or do not agree on the potential impact of this missense change (SIFT: "Not Available"; PolyPhen-2: "Benign"; Align-GVGD: "Not Available"). This variant has not been reported in the literature in individuals affected with ADAMTS18-related conditions. This variant is not present in population databases (ExAC no frequency). This sequence change replaces valine with isoleucine at codon 791 of the ADAMTS18 protein (p.Val791Ile). The valine residue is highly conserved and there is a small physicochemical difference between valine and isoleucine.